The following is an entry in ClinVar:

NM_000092.5(COL4A4):c.3215-66C>T

Gene: COL4A4 (collagen type IV alpha 4 chain; minus strand). Cytogenetic location: 2q36.3.
Variant type: single nucleotide variant.
Coding change: c.3215-66C>T on transcript NM_000092.5 (MANE Select); 66 bases into the intron before coding-DNA position 3215, C replaced by T.
Molecular consequence: intron variant.
Genome position (GRCh38, 1-based): chr2:227,047,615, G>A on the plus strand (C>T on the coding strand, the complement: COL4A4 is on the minus strand). VCF-style: chr2-227047615-G-A. GRCh37 (hg19) VCF-style: chr2-227912331-G-A.
Identifiers: ClinVar variation 1184796 (VCV001184796.6), dbSNP rs2272200, ClinGen allele CA11173338.

ClinVar aggregate classification (germline): Benign. Review status: criteria provided, multiple submitters, no conflicts (2 of 4 stars). 4 submissions from 4 submitters: Benign (4). Last evaluated 2024-07-15.

Conditions:
Autosomal recessive Alport syndrome (ATS2). Also called: COL4A3-Related Nephropathy; COL4A4 Alport Syndrome and Thin Basement Membrane Nephropathy; ALPORT SYNDROME 2, AUTOSOMAL RECESSIVE; Alport syndrome type 2. Identifiers: Orphanet 63, Orphanet 88919, MedGen C4746745, MONDO:0008762, OMIM 203780.

Allele frequency attached by ClinVar (database versions not stated): gnomAD exomes 0.49843; gnomAD 0.51657 and 0.51980; TOPMed 0.52149; 1000 Genomes Project 0.55312; 1000 Genomes Project 30x 0.55403.
gnomAD v4.1: 516,882 of 1,030,722 alleles (50%); highest among the groups gnomAD compares: South Asian, 64%; 132,285 homozygotes.

Submissions (4):

Unidad de Genómica Garrahan, Hospital de Pediatría Garrahan
Classification: Benign. Last evaluated: 2024-07-15. Review status: criteria provided, single submitter. Criteria: ACMG Guidelines, 2015. Collection method: clinical testing. Allele origin: germline. Affected: no. Observed: 68 variant alleles.
Comment: This variant is classified as Benign based on local population frequency. This variant was detected in 73% of patients studied in a panel designed for Epileptic and Developmental Encephalopathy and Progressive Myoclonus Epilepsy. Number of patients: 68. Only high quality variants are reported.

Genome-Nilou Lab
Classification: Benign for Autosomal recessive Alport syndrome. Last evaluated: 2021-07-10. Review status: criteria provided, single submitter. Criteria: ACMG Guidelines, 2015. Collection method: clinical testing. Allele origin: germline. Affected: no.

GeneDx
Classification: Benign. Last evaluated: 2018-06-24. Review status: criteria provided, single submitter. Criteria: GeneDx Variant Classification Process June 2021. Collection method: clinical testing. Allele origin: germline. Affected: yes.

Breakthrough Genomics
Classification: Benign. Review status: criteria provided, single submitter. Criteria: ACMG Guidelines, 2015. Collection method: not provided. Allele origin: germline. Inheritance: Autosomal recessive inheritance. Affected: yes.